The following is an entry in ClinVar:

ClinVar aggregate classification (germline): Uncertain significance. Review status: criteria provided, single submitter (1 of 4 stars). 2 submissions from 2 submitters: Uncertain significance (1). 1 of the submissions does not count toward it. Last evaluated 2020-12-21.

Conditions:
Primary ciliary dyskinesia. Also called: Ciliary dyskinesia. Identifiers: Orphanet 244, MedGen C0008780, MONDO:0016575, HP:0012265.

Allele frequency attached by ClinVar (database versions not stated): TOPMed 0.00006.
gnomAD v4.1: 9 of 1,613,584 alleles (0.00056%); highest among the groups gnomAD compares: African/African-American, 0.011%; no homozygotes.

Submissions (2):

Labcorp Genetics (formerly Invitae), Labcorp
Classification: Uncertain significance for Primary ciliary dyskinesia. Last evaluated: 2020-12-21. Review status: criteria provided, single submitter. Criteria: Invitae Variant Classification Sherloc (09022015). Collection method: clinical testing. Allele origin: germline.
Comment: This sequence change replaces arginine with serine at codon 4127 of the DNAH5 protein (p.Arg4127Ser). The arginine residue is highly conserved and there is a moderate physicochemical difference between arginine and serine. This variant is present in population databases (rs148696723, ExAC 0.01%). This variant has not been reported in the literature in individuals with DNAH5-related conditions. ClinVar contains an entry for this variant (Variation ID: 972392). Algorithms developed to predict the effect of missense changes on protein structure and function are either unavailable or do not agree on the potential impact of this missense change (SIFT: "Deleterious"; PolyPhen-2: "Possibly Damaging"; Align-GVGD: "Class C0"). Algorithms developed to predict the effect of sequence changes on RNA splicing suggest that this variant may create or strengthen a splice site, but this prediction has not been confirmed by published transcriptional studies. In summary, the available evidence is currently insufficient to determine the role of this variant in disease. Therefore, it has been classified as a Variant of Uncertain Significance.

Natera, Inc.
Classification: Uncertain significance for Primary ciliary dyskinesia. Last evaluated: 2021-03-29. Review status: no assertion criteria provided. Collection method: clinical testing. Allele origin: germline. Not counted in ClinVar's aggregate classification.

NM_001369.3(DNAH5):c.12379C>A (p.Arg4127Ser)

Gene: DNAH5 (dynein axonemal heavy chain 5; minus strand). Cytogenetic location: 5p15.2.
Variant type: single nucleotide variant.
Coding change: c.12379C>A on transcript NM_001369.3 (MANE Select); coding-DNA position 12379, C replaced by A.
Protein change: p.Arg4127Ser; replaces arginine 4127 with serine.
Molecular consequence: missense variant.
Genome position (GRCh38, 1-based): chr5:13,719,002, G>T on the plus strand (C>A on the coding strand, the complement: DNAH5 is on the minus strand). VCF-style: chr5-13719002-G-T. GRCh37 (hg19) VCF-style: chr5-13719111-G-T.
Other names: short protein forms R4127S.
Identifiers: ClinVar variation 972392 (VCV000972392.9), dbSNP rs148696723, ClinGen allele CA3201657.